The following is an entry in ClinVar:

ClinVar aggregate classification (germline): Uncertain significance (1 of 4 stars; one submission).

Submission:

Labcorp Genetics (formerly Invitae), Labcorp
Classification: Uncertain significance. Last evaluated: 2022-03-01. Review status: criteria provided, single submitter. Criteria: Invitae Variant Classification Sherloc (09022015). Collection method: clinical testing. Allele origin: germline.
Comment: In summary, the available evidence is currently insufficient to determine the role of this variant in disease. Therefore, it has been classified as a Variant of Uncertain Significance. Algorithms developed to predict the effect of missense changes on protein structure and function (SIFT, PolyPhen-2, Align-GVGD) all suggest that this variant is likely to be tolerated. This variant has not been reported in the literature in individuals affected with PIGV-related conditions. This variant is not present in population databases (gnomAD no frequency). This sequence change replaces valine, which is neutral and non-polar, with phenylalanine, which is neutral and non-polar, at codon 189 of the PIGV protein (p.Val189Phe).

NM_017837.4(PIGV):c.565G>T (p.Val189Phe)

Gene: PIGV (phosphatidylinositol glycan anchor biosynthesis class V; plus strand). Cytogenetic location: 1p36.11.
Variant type: single nucleotide variant.
Coding change: c.565G>T on transcript NM_017837.4 (MANE Select); coding-DNA position 565, G replaced by T.
Protein change: p.Val189Phe; replaces valine 189 with phenylalanine.
Molecular consequence: missense variant. On other transcripts: non-coding transcript variant (1), intron variant (3).
Genome position (GRCh38, 1-based): chr1:26,794,599, G>T. VCF-style: chr1-26794599-G-T. GRCh37 (hg19) VCF-style: chr1-27121090-G-T.
Other names: c.565G>T, p.Val189Phe (NM_001202554.2, NM_001374478.1, NM_001374480.1 and 2 more transcripts); c.184G>T, p.Val62Phe (NM_001374483.1); c.173-235G>T (NM_001374484.1, NM_001374485.1); c.79-2964G>T (NM_001374486.1); short protein forms V189F, V62F.
Identifiers: ClinVar variation 2168331 (VCV002168331.4), dbSNP rs1251786702, ClinGen allele CA339200016.